The following is an entry in ClinVar:

NM_019098.5(CNGB3):c.1666G>T (p.Glu556Ter)

Gene: CNGB3 (cyclic nucleotide gated channel subunit beta 3; minus strand). Cytogenetic location: 8q21.3.
Variant type: single nucleotide variant.
Coding change: c.1666G>T on transcript NM_019098.5 (MANE Select); coding-DNA position 1666, G replaced by T.
Protein change: p.Glu556Ter; replaces glutamic acid 556 with a stop codon.
Molecular consequence: nonsense.
Genome position (GRCh38, 1-based): chr8:86,604,208, C>A on the plus strand (G>T on the coding strand, the complement: CNGB3 is on the minus strand). VCF-style: chr8-86604208-C-A. GRCh37 (hg19) VCF-style: chr8-87616436-C-A.
Other names: short protein forms E556*.
Identifiers: ClinVar variation 1431922 (VCV001431922.6), dbSNP rs2131559324, ClinGen allele CA371449221.

ClinVar aggregate classification (germline): Pathogenic (1 of 4 stars; one submission).

Submission:

Labcorp Genetics (formerly Invitae), Labcorp
Classification: Pathogenic. Last evaluated: 2022-08-20. Review status: criteria provided, single submitter. Criteria: Invitae Variant Classification Sherloc (09022015). Collection method: clinical testing. Allele origin: germline.
Comment: For these reasons, this variant has been classified as Pathogenic. Algorithms developed to predict the effect of sequence changes on RNA splicing suggest that this variant may disrupt the consensus splice site. ClinVar contains an entry for this variant (Variation ID: 1431922). This premature translational stop signal has been observed in individual(s) with retinal dystrophy (PMID: 23940504). This variant is not present in population databases (gnomAD no frequency). This sequence change creates a premature translational stop signal (p.Glu556*) in the CNGB3 gene. It is expected to result in an absent or disrupted protein product. Loss-of-function variants in CNGB3 are known to be pathogenic (PMID: 28795510).

Literature cited by the submitters: PubMed 23940504; PubMed 28795510.